The following is an entry in ClinVar:

NM_003108.4(SOX11):c.346_348del (p.Tyr116del)

Gene: SOX11 (SRY-box transcription factor 11; plus strand). Cytogenetic location: 2p25.2.
Variant type: Deletion.
Coding change: c.346_348del on transcript NM_003108.4 (MANE Select); coding-DNA positions 346 to 348, 3 bases deleted (TAC; older notation c.346_348delTAC).
Protein change: p.Tyr116del; deletes tyrosine 116.
Genome position (GRCh38, 1-based): chr2:5,693,067-5,693,069, TAC deleted; deleting any 3 consecutive bases within chr2:5,693,065-5,693,069 gives the same sequence; the c. name uses the placement nearest the transcript's 3' end. VCF-style (leftmost placement, unchanged base first): chr2-5693064-GACT-G. GRCh37 (hg19) VCF-style: chr2-5833196-GACT-G.
Other names: short protein forms Y116del.
Identifiers: ClinVar variation 4681195 (VCV004681195.1).

ClinVar aggregate classification (germline): Uncertain significance (0 of 4 stars; one submission).

Conditions:
Intellectual developmental disorder with microcephaly and with or without ocular malformations or hypogonadotropic hypogonadism. Also called: Intellectual disability, autosomal dominant 27; Coffin-Siris Syndrome 9. Identifiers: Orphanet 1465, MedGen C4014528, MONDO:0014376, OMIM 615866.

Submission:

Endocrinology, Genetics and Metabolism Department, Children's Hospital of Nanjing Medical University
Classification: Uncertain significance for Intellectual developmental disorder with microcephaly and with or without ocular malformations or hypogonadotropic hypogonadism. Last evaluated: 2025-12-24. Review status: no assertion criteria provided. Collection method: provider interpretation. Allele origin: de novo. Inheritance: Autosomal dominant inheritance. Affected: yes. Observed: 1 hemizygote.
Comment: c.346_348del (p.Tyr116del): According to the ACMG guidelines, this variant is currently classified as uncertain significance (VUS) based on the following criteria: PS2_Moderate + PM2_Supporting + PM4 PS2_Moderate: Parental testing confirmed the variant is absent in both the father and the mother, indicating a confirmed de novo origin; the clinical phenotype is consistent with the gene/disease association but is not highly specific. - PM2_Supporting: The variant is absent (frequency = 0) from population databases including gnomAD. - PM4: An in-frame small deletion located outside repetitive regions, resulting in a protein-length change without frameshift or premature termination.